The following is an entry in ClinVar:

NM_138477.4(CDAN1):c.2016G>A (p.Pro672=)

Gene: CDAN1 (codanin 1; minus strand). Cytogenetic location: 15q15.2.
Variant type: single nucleotide variant.
Coding change: c.2016G>A on transcript NM_138477.4 (MANE Select); coding-DNA position 2016, G replaced by A.
Protein change: p.Pro672=; no amino-acid change (proline 672 retained).
Molecular consequence: synonymous variant.
Genome position (GRCh38, 1-based): chr15:42,730,756, C>T on the plus strand (G>A on the coding strand, the complement: CDAN1 is on the minus strand). VCF-style: chr15-42730756-C-T. GRCh37 (hg19) VCF-style: chr15-43022954-C-T.
Other names: p.Pro672=; c.2016G>A, p.Pro672= (LRG_1164t1).
Identifiers: ClinVar variation 315939 (VCV000315939.15), dbSNP rs371799686, ClinGen allele CA7515845.

ClinVar aggregate classification (germline): Conflicting classifications of pathogenicity. Review status: criteria provided, conflicting classifications (1 of 4 stars). 5 submissions from 5 submitters: Uncertain significance (1); Likely benign (4). Last evaluated 2025-12-03.

Conditions:
Congenital dyserythropoietic anemia, type I. Also called: Dyserythropoietic anemia, congenital type 1. Identifiers: Orphanet 98869, MedGen C0271933, MONDO:0020337. Disease mechanism: loss of function.
Anemia, congenital dyserythropoietic, type 1a (CDAN1A). Also called: CDAN1-Related Congenital Dyserythropoietic Anemia; DYSERYTHROPOIETIC ANEMIA, CONGENITAL, TYPE Ia. Identifiers: MedGen C5574667, MONDO:0009135, OMIM 224120.

Allele frequency attached by ClinVar (database versions not stated): ESP Exome Variant Server 0.00015; 1000 Genomes Project 30x 0.00016; 1000 Genomes Project 0.00020; gnomAD 0.00021; TOPMed 0.00021.
gnomAD v4.1: 378 of 1,612,032 alleles (0.023%); highest among the groups gnomAD compares: Non-Finnish European, 0.029%; no homozygotes.

Submissions (5):

Labcorp Genetics (formerly Invitae), Labcorp
Classification: Likely benign. Last evaluated: 2025-12-03. Review status: criteria provided, single submitter. Criteria: Invitae Variant Classification Sherloc (09022015). Collection method: clinical testing. Allele origin: germline.

Mayo Clinic Laboratories, Mayo Clinic
Classification: Likely benign. Last evaluated: 2025-09-29. Review status: criteria provided, single submitter. Criteria: ACMG Guidelines, 2015. Collection method: clinical testing. Allele origin: germline. Observed: 2 variant alleles.
Comment: BP4, BP7

Blueprint Genetics
Classification: Likely benign. Last evaluated: 2024-11-25. Review status: criteria provided, single submitter. Criteria: ACMG Guidelines, 2015. Collection method: clinical testing. Allele origin: germline.

ARUP Laboratories, Molecular Genetics and Genomics, ARUP Laboratories
Classification: Likely benign for Anemia, congenital dyserythropoietic, type 1a. Last evaluated: 2021-07-26. Review status: criteria provided, single submitter. Criteria: ARUP Molecular Germline Variant Investigation Process 2021. Collection method: clinical testing. Allele origin: germline.

Illumina Laboratory Services, Illumina
Classification: Uncertain significance for Anemia, congenital dyserythropoietic, type 1a. Last evaluated: 2018-01-13. Review status: criteria provided, single submitter. Criteria: ICSL Variant Classification Criteria 13 December 2019. Collection method: clinical testing. Allele origin: germline.